The following is an entry in ClinVar:

NM_000181.4(GUSB):c.233C>T (p.Pro78Leu)

Gene: GUSB (glucuronidase beta; minus strand). Cytogenetic location: 7q11.21.
Variant type: single nucleotide variant.
Coding change: c.233C>T on transcript NM_000181.4 (MANE Select); coding-DNA position 233, C replaced by T.
Protein change: p.Pro78Leu; replaces proline 78 with leucine.
Molecular consequence: missense variant. On other transcripts: 5 prime UTR variant (2), non-coding transcript variant (1).
Genome position (GRCh38, 1-based): chr7:65,980,387, G>A on the plus strand (C>T on the coding strand, the complement: GUSB is on the minus strand). VCF-style: chr7-65980387-G-A. GRCh37 (hg19) VCF-style: chr7-65445374-G-A.
Other names: c.233C>T, p.Pro78Leu (NM_001284290.2); c.-153C>T (NM_001293104.2); c.-97C>T (NM_001293105.2); short protein forms P78L.
Identifiers: ClinVar variation 4982601 (VCV004982601.1).
Genomic context (GRCh38, chr7:65,980,387, plus strand): 5'-CAGCCGACAAAATGCCGCAGACGCCAGTCCTGGCTGATGTCATTGAAGCTGGAGGGAACT[G>A]GCATGTCCACGGTGGGGCCTGACTGTGGAGAGAAGAGCCGGGCTCAGCTCCTAGGCCCCC-3'
Protein context (NP_000172.2, residues 68-88): LWESGPTVDM[Pro78Leu]VPSSFNDISQ

ClinVar aggregate classification (germline): Uncertain significance (1 of 4 stars; one submission).

Conditions:
GUSB-related disorder. Also called: GUSB-related condition.

gnomAD v4.1: 1 of 1,613,680 alleles (0.000062%); highest among the groups gnomAD compares: East Asian, 0.0022%; no homozygotes.

Submission:

PreventionGenetics, part of Exact Sciences
Classification: Uncertain significance for GUSB-related condition. Last evaluated: 2024-10-28. Review status: criteria provided, single submitter. Criteria: ACMG Guidelines, 2015. Collection method: clinical testing. Allele origin: germline.
Comment: The GUSB c.233C>T variant is predicted to result in the amino acid substitution p.Pro78Leu. To our knowledge, this variant has not been reported in the literature. This variant is reported in 0.011% of alleles in individuals of East Asian descent in gnomAD. Although we suspect that this variant may be pathogenic, at this time, the clinical significance of this variant is uncertain due to the absence of conclusive functional and genetic evidence.